The following is an entry in ClinVar:

NM_016239.4(MYO15A):c.2315C>G (p.Pro772Arg)

Gene: MYO15A (myosin XVA; plus strand). Cytogenetic location: 17p11.2.
Variant type: single nucleotide variant.
Coding change: c.2315C>G on transcript NM_016239.4 (MANE Select); coding-DNA position 2315, C replaced by G.
Protein change: p.Pro772Arg; replaces proline 772 with arginine.
Molecular consequence: missense variant.
Genome position (GRCh38, 1-based): chr17:18,121,115, C>G. VCF-style: chr17-18121115-C-G. GRCh37 (hg19) VCF-style: chr17-18024429-C-G.
Other names: c.2315C>G (NM_016239.3); short protein forms P772R.
Identifiers: ClinVar variation 2177215 (VCV002177215.7), dbSNP rs530055219, ClinGen allele CA8423245.
Genomic context (GRCh38, chr17:18,121,115, plus strand): 5'-GGGCGGCTTTCGGCTTCCCCGGGGCCTCTCCACGGGCGTCGCGGAGGCGAGCTTGGTCAC[C>G]GCTGGCCTCGCCCCAGCCCTCGCTGAGGAGCTCGCCGGGCCTCGGCTACTGCTCACCCTT-3'
Protein context (NP_057323.3, residues 762-782): PRASRRRAWS[Pro772Arg]LASPQPSLRS

ClinVar aggregate classification (germline): Conflicting classifications of pathogenicity. Review status: criteria provided, conflicting classifications (1 of 4 stars). 3 submissions from 3 submitters: Uncertain significance (2); Benign (1). Last evaluated 2026-07-28.

Conditions:
Inborn genetic diseases. Identifiers: MedGen C0950123, MeSH D030342.
MYO15A-related disorder. Also called: MYO15A-related condition.

Allele frequency attached by ClinVar (database versions not stated): 1000 Genomes Project 30x 0.00109; 1000 Genomes Project 0.00100.
gnomAD v4.1: 44 of 1,504,270 alleles (0.0029%); highest among the groups gnomAD compares: African/African-American, 0.056%; no homozygotes.

Submissions (3):

Ambry Genetics
Classification: Uncertain significance for Inborn genetic diseases. Last evaluated: 2026-07-28. Review status: criteria provided, single submitter. Criteria: Ambry Variant Classification Scheme 2023. Collection method: clinical testing. Allele origin: germline.

PreventionGenetics, part of Exact Sciences
Classification: Uncertain significance for MYO15A-related condition. Last evaluated: 2025-11-07. Review status: criteria provided, single submitter. Criteria: ACMG Guidelines, 2015. Collection method: clinical testing. Allele origin: germline.
Comment: The MYO15A c.2315C>G variant is predicted to result in the amino acid substitution p.Pro772Arg. To our knowledge, this variant has not been reported in the literature. This variant is reported in 0.082% of alleles in individuals of African descent in gnomAD. Although we suspect that this variant may be benign, at this time, the clinical significance of this variant is uncertain due to the absence of conclusive functional and genetic evidence.

Labcorp Genetics (formerly Invitae), Labcorp
Classification: Benign. Last evaluated: 2024-02-06. Review status: criteria provided, single submitter. Criteria: Invitae Variant Classification Sherloc (09022015). Collection method: clinical testing. Allele origin: germline.